The following is an entry in ClinVar:

NM_000384.3(APOB):c.11104C>G (p.Leu3702Val)

Gene: APOB (apolipoprotein B; minus strand). Cytogenetic location: 2p24.1.
Variant type: single nucleotide variant.
Coding change: c.11104C>G on transcript NM_000384.3 (MANE Select); coding-DNA position 11104, C replaced by G.
Protein change: p.Leu3702Val; replaces leucine 3702 with valine.
Molecular consequence: missense variant.
Genome position (GRCh38, 1-based): chr2:21,005,764, G>C on the plus strand (C>G on the coding strand, the complement: APOB is on the minus strand). VCF-style: chr2-21005764-G-C. GRCh37 (hg19) VCF-style: chr2-21228636-G-C.
Other names: short protein forms L3702V.
Identifiers: ClinVar variation 3416108 (VCV003416108.1), dbSNP rs1165176747.

ClinVar aggregate classification (germline): Uncertain significance (1 of 4 stars; one submission).

Conditions:
Cardiovascular phenotype. Identifiers: MedGen CN230736.

Submission:

Ambry Genetics
Classification: Uncertain significance for Cardiovascular phenotype. Last evaluated: 2024-09-24. Review status: criteria provided, single submitter. Criteria: Ambry Variant Classification Scheme 2023. Collection method: clinical testing. Allele origin: germline.
Comment: The p.L3702V variant (also known as c.11104C>G), located in coding exon 26 of the APOB gene, results from a C to G substitution at nucleotide position 11104. The leucine at codon 3702 is replaced by valine, an amino acid with highly similar properties. This amino acid position is conserved. In addition, this alteration is predicted to be tolerated by in silico analysis. Based on the available evidence, the clinical significance of this variant remains unclear.